The following is an entry in ClinVar:

ClinVar aggregate classification (germline): Uncertain significance (1 of 4 stars; one submission).

Allele frequency attached by ClinVar (database versions not stated): gnomAD 0.00001.
gnomAD v4.1: 1 of 1,613,038 alleles (0.000062%); highest among the groups gnomAD compares: African/African-American, 0.0013%; no homozygotes.

Submission:

Ambry Genetics
Classification: Uncertain significance. Last evaluated: 2024-04-01. Review status: criteria provided, single submitter. Criteria: Ambry Variant Classification Scheme 2023. Collection method: clinical testing. Allele origin: germline.
Comment: The p.V330A variant (also known as c.989T>C), located in coding exon 8 of the RECQL gene, results from a T to C substitution at nucleotide position 989. The valine at codon 330 is replaced by alanine, an amino acid with similar properties. This amino acid position is highly conserved in available vertebrate species. In addition, this alteration is predicted to be deleterious by in silico analysis. Since supporting evidence is limited at this time, the clinical significance of this alteration remains unclear.

NM_002907.4(RECQL):c.989T>C (p.Val330Ala)

Gene: RECQL (RecQ like helicase; minus strand). Cytogenetic location: 12p12.1.
Variant type: single nucleotide variant.
Coding change: c.989T>C on transcript NM_002907.4 (MANE Select); coding-DNA position 989, T replaced by C.
Protein change: p.Val330Ala; replaces valine 330 with alanine.
Molecular consequence: missense variant.
Genome position (GRCh38, 1-based): chr12:21,475,785, A>G on the plus strand (T>C on the coding strand, the complement: RECQL is on the minus strand). VCF-style: chr12-21475785-A-G. GRCh37 (hg19) VCF-style: chr12-21628719-A-G.
Other names: c.989T>C, p.Val330Ala (NM_032941.3); short protein forms V330A.
Identifiers: ClinVar variation 1768527 (VCV001768527.3), dbSNP rs1943075304, ClinGen allele CA384121989.